The following is an entry in ClinVar:

ClinVar aggregate classification (germline): Conflicting classifications of pathogenicity. Review status: criteria provided, conflicting classifications (1 of 4 stars). 6 submissions from 6 submitters: Uncertain significance (2); Benign (1); Likely benign (2). 1 of the submissions does not count toward it. Last evaluated 2026-01-19.

Conditions:
CACNA1C-related disorder. Also called: CACNA1C-related disorders; CACNA1C-related condition. Identifiers: MedGen CN381092, MONDO:0700321.
Brugada syndrome 3 (BRGDA3). Identifiers: Orphanet 130, MedGen C2678478, MONDO:0012742, OMIM 611875.
Long QT syndrome 8. Identifiers: MedGen CN260585, MONDO:0032756, OMIM 618447.
Timothy syndrome (TS). Also called: LONG QT SYNDROME WITH SYNDACTYLY. Identifiers: Orphanet 65283, MedGen C1832916, MeSH C536962, MONDO:0010979, OMIM 601005.
Neurodevelopmental disorder with hypotonia, language delay, and skeletal defects with or without seizures (NEDHLSS). Identifiers: MedGen C5774213, MONDO:0859286, OMIM 620029.
Cardiovascular phenotype. Identifiers: MedGen CN230736.
Long QT syndrome (LQTS). Identifiers: MedGen C0023976, MeSH D008133, MONDO:0002442. Disease mechanism: loss of function. Inheritance: Various modes of inheritance.
Wolff-Parkinson-White pattern. Also called: WPW SYNDROME; Auriculoventricular accessory pathway syndrome; False bundle branch block syndrome; Anomalous ventricular excitation syndrome. Identifiers: MedGen C0043202, MONDO:0008685, OMIM 194200, HP:0001716.

Allele frequency attached by ClinVar (database versions not stated): gnomAD 0.00024 and 0.00023; gnomAD exomes 0.00003; ExAC 0.00004; ESP Exome Variant Server 0.00008; TOPMed 0.00017.
gnomAD v4.1: 57 of 1,612,650 alleles (0.0035%); highest among the groups gnomAD compares: African/African-American, 0.075%; no homozygotes.

Submissions (6):

Labcorp Genetics (formerly Invitae), Labcorp
Classification: Likely benign for Long QT syndrome. Last evaluated: 2026-01-19. Review status: criteria provided, single submitter. Criteria: Invitae Variant Classification Sherloc (09022015). Collection method: clinical testing. Allele origin: germline.

PreventionGenetics, part of Exact Sciences
Classification: Likely benign for CACNA1C-related condition. Last evaluated: 2024-10-09. Review status: criteria provided, single submitter. Criteria: ACMG Guidelines, 2015. Collection method: clinical testing. Allele origin: germline.
Comment: This variant is classified as likely benign based on ACMG/AMP sequence variant interpretation guidelines (Richards et al. 2015 PMID: 25741868, with internal and published modifications).

Fulgent Genetics
Classification: Uncertain significance for Timothy syndrome; Brugada syndrome 3; Long QT syndrome 8; Neurodevelopmental disorder with hypotonia, language delay, and skeletal defects with or without seizures. Last evaluated: 2024-01-03. Review status: criteria provided, single submitter. Criteria: ACMG Guidelines, 2015. Collection method: clinical testing. Allele origin: germline.

Ambry Genetics
Classification: Benign for Cardiovascular phenotype. Last evaluated: 2022-01-10. Review status: criteria provided, single submitter. Criteria: Ambry Variant Classification Scheme 2023. Collection method: clinical testing. Allele origin: germline.

GeneDx
Classification: Uncertain significance. Last evaluated: 2020-02-17. Review status: criteria provided, single submitter. Criteria: GeneDx Variant Classification Process June 2021. Collection method: clinical testing. Allele origin: germline. Affected: yes.
Comment: Has not been previously published as pathogenic or benign to our knowledge; Identified in conjunction with additional variants in individuals referred for cardiac genetic testing at GeneDx; segregation data are limited at this time; Reported in ClinVar as a variant of uncertain significance (ClinVar Variant ID# 190639; Landrum et al., 2016); In silico analysis supports that this missense variant does not alter protein structure/function; This variant is associated with the following publications: (PMID: 32233023)

Lupski Lab, Baylor-Hopkins CMG, Baylor College of Medicine
Classification: Uncertain significance for Wolff-Parkinson-White pattern. Last evaluated: 2017-07-14. Review status: no assertion criteria provided. Collection method: research. Allele origin: inherited. Affected: yes. Observed: 1 variant allele. Study: Candidate_variants_in_patients_with_ Wolff-Parkinson-White Syndrome. Not counted in ClinVar's aggregate classification.

Literature cited by the submitters: PubMed 32233023 (cited by Ambry Genetics).

NM_000719.7(CACNA1C):c.1485C>A (p.His495Gln)

Gene: CACNA1C (calcium voltage-gated channel subunit alpha1 C; plus strand). Cytogenetic location: 12p13.33.
Variant type: single nucleotide variant.
Coding change: c.1485C>A on transcript NM_000719.7 (MANE Select); coding-DNA position 1485, C replaced by A.
Protein change: p.His495Gln; replaces histidine 495 with glutamine.
Molecular consequence: missense variant.
Genome position (GRCh38, 1-based): chr12:2,556,954, C>A. VCF-style: chr12-2556954-C-A. GRCh37 (hg19) VCF-style: chr12-2666120-C-A.
Other names: p.H495Q:CAC>CAA; c.1485C>A, p.His495Gln (NM_001129827.2, NM_001129829.2, NM_001129830.3 and 18 more transcripts); c.1476C>A, p.His492Gln (NM_001129844.2); short protein forms H495Q, H492Q.
Identifiers: ClinVar variation 190639 (VCV000190639.16), dbSNP rs373335068, ClinGen allele CA301284.